The following is an entry in ClinVar:

NM_152703.5(SAMD9L):c.1757T>C (p.Ile586Thr)

Gene: SAMD9L (sterile alpha motif domain containing 9 like; minus strand). Cytogenetic location: 7q21.2.
Variant type: single nucleotide variant.
Coding change: c.1757T>C on transcript NM_152703.5 (MANE Select); coding-DNA position 1757, T replaced by C.
Protein change: p.Ile586Thr; replaces isoleucine 586 with threonine.
Molecular consequence: missense variant.
Genome position (GRCh38, 1-based): chr7:93,134,215, A>G on the plus strand (T>C on the coding strand, the complement: SAMD9L is on the minus strand). VCF-style: chr7-93134215-A-G. GRCh37 (hg19) VCF-style: chr7-92763528-A-G.
Other names: c.1757T>C, p.Ile586Thr (NM_001303496.3, NM_001303497.3, NM_001303498.3 and 5 more transcripts); short protein forms I586T.
Identifiers: ClinVar variation 3792486 (VCV003792486.1).

ClinVar aggregate classification (germline): Uncertain significance (1 of 4 stars; one submission).

Conditions:
Inborn genetic diseases. Identifiers: MedGen C0950123, MeSH D030342.

gnomAD v4.1: 5 of 1,613,282 alleles (0.00031%); highest among the groups gnomAD compares: Non-Finnish European, 0.00042%; no homozygotes.

Submission:

Ambry Genetics
Classification: Uncertain significance for Inborn genetic diseases. Last evaluated: 2025-03-03. Review status: criteria provided, single submitter. Criteria: Ambry Variant Classification Scheme 2023. Collection method: clinical testing. Allele origin: germline.
Comment: The p.I586T variant (also known as c.1757T>C), located in coding exon 1 of the SAMD9L gene, results from a T to C substitution at nucleotide position 1757. The isoleucine at codon 586 is replaced by threonine, an amino acid with similar properties. This amino acid position is conserved. In addition, this alteration is predicted to be tolerated by in silico analysis. Based on the available evidence, the clinical significance of this variant remains unclear.